The following is an entry in ClinVar:

NM_000256.3(MYBPC3):c.2654C>T (p.Thr885Met)

Gene: MYBPC3 (myosin binding protein C3; minus strand). Cytogenetic location: 11p11.2.
Variant type: single nucleotide variant.
Coding change: c.2654C>T on transcript NM_000256.3 (MANE Select); coding-DNA position 2654, C replaced by T.
Protein change: p.Thr885Met; replaces threonine 885 with methionine.
Molecular consequence: missense variant.
Genome position (GRCh38, 1-based): chr11:47,335,960, G>A on the plus strand (C>T on the coding strand, the complement: MYBPC3 is on the minus strand). VCF-style: chr11-47335960-G-A. GRCh37 (hg19) VCF-style: chr11-47357511-G-A.
Other names: short protein forms T885M.
Identifiers: ClinVar variation 42649 (VCV000042649.21), dbSNP rs397515981, ClinGen allele CA012806.

ClinVar aggregate classification (germline): Uncertain significance. Review status: criteria provided, multiple submitters, no conflicts (2 of 4 stars). 8 submissions from 8 submitters: Uncertain significance (8). Last evaluated 2025-11-21.

Conditions:
Hypertrophic cardiomyopathy 4. Also called: Familial hypertrophic cardiomyopathy 4. Identifiers: MedGen C1861862, MONDO:0007268, OMIM 115197.
Left ventricular noncompaction 10 (LVNC10). Identifiers: Orphanet 154, Orphanet 54260, MedGen C3715165, MONDO:0014163, OMIM 615396.
Cardiovascular phenotype. Identifiers: MedGen CN230736.
Cardiomyopathy (CMYO). Also called: Cardiomyopathies. Identifiers: Orphanet 167848, MedGen C0878544, MONDO:0004994, HP:0001638. Inheritance: Various modes of inheritance.
Hypertrophic cardiomyopathy. Also called: HYPERTROPHIC MYOCARDIOPATHY. Identifiers: Orphanet 217569, MedGen C0007194, MeSH D002312, MONDO:0005045, HP:0001639.

Allele frequency attached by ClinVar (database versions not stated): gnomAD 0.00001 and 0.00002; ExAC 0.00002; TOPMed 0.00002.
gnomAD v4.1: 40 of 1,564,538 alleles (0.0026%); highest among the groups gnomAD compares: Non-Finnish European, 0.0033%; no homozygotes.

Submissions (8):

Color Diagnostics, LLC DBA Color Health
Classification: Uncertain significance for Cardiomyopathy. Last evaluated: 2025-11-21. Review status: criteria provided, single submitter. Criteria: ACMG Guidelines, 2015. Collection method: clinical testing. Allele origin: germline.
Comment: This missense variant replaces threonine with methionine at codon 885 of the MYBPC3 protein. Computational prediction suggests that this variant may not impact protein structure and function. To our knowledge, functional studies have not been reported for this variant. This variant has been reported in several individuals affected with hypertrophic cardiomyopathy (PMID: 20624503, 21302287, 27532257, 32481709, 37089884). This variant has been identified in 40/1564538 chromosomes in the general population by the Genome Aggregation Database (gnomAD). The available evidence is insufficient to determine the role of this variant in disease conclusively. Therefore, this variant is classified as a Variant of Uncertain Significance.

All of Us Research Program, National Institutes of Health
Classification: Uncertain significance for Hypertrophic cardiomyopathy. Last evaluated: 2024-06-09. Review status: criteria provided, single submitter. Criteria: ACMG Guidelines, 2015. Collection method: clinical testing. Allele origin: germline. Inheritance: Autosomal dominant inheritance. Observed: 3 variant alleles, 3 heterozygotes.
Comment: This missense variant replaces threonine with methionine at codon 885 of the MYBPC3 protein. Computational prediction tools and conservation analyses are inconclusive regarding the impact of this variant on the protein function. Computational splicing tools suggest that this variant may not impact RNA splicing. To our knowledge, functional assays have not been performed for this variant. This variant has been observed in individuals affected with hypertrophic cardiomyopathy (PMID: 20624503, 21302287). This variant has also been identified in 6/228884 chromosomes in the general population by the Genome Aggregation Database (gnomAD). Available evidence is insufficient to determine the role of this variant in disease conclusively. Therefore, this variant is classified as a Variant of Uncertain Significance.

This study involves interpretation of variants in research participants for the purpose of population health screening. Participant phenotype was not available at the time of variant classification. Additional details can be found in publication PMID: 35346344, PMCID: PMC8962531

Labcorp Genetics (formerly Invitae), Labcorp
Classification: Uncertain significance for Hypertrophic cardiomyopathy. Last evaluated: 2023-12-11. Review status: criteria provided, single submitter. Criteria: Invitae Variant Classification Sherloc (09022015). Collection method: clinical testing. Allele origin: germline.
Comment: This sequence change replaces threonine, which is neutral and polar, with methionine, which is neutral and non-polar, at codon 885 of the MYBPC3 protein (p.Thr885Met). The frequency data for this variant in the population databases is considered unreliable, as metrics indicate poor data quality at this position in the gnomAD database. This missense change has been observed in individuals with hypertrophic cardiomyopathy (PMID: 20624503, 21302287). ClinVar contains an entry for this variant (Variation ID: 42649). An algorithm developed to predict the effect of missense changes on protein structure and function (PolyPhen-2) suggests that this variant is likely to be disruptive. In summary, the available evidence is currently insufficient to determine the role of this variant in disease. Therefore, it has been classified as a Variant of Uncertain Significance.

Blueprint Genetics
Classification: Uncertain significance. Last evaluated: 2023-11-30. Review status: criteria provided, single submitter. Criteria: ACMG Guidelines, 2015. Collection method: clinical testing. Allele origin: germline.

Ambry Genetics
Classification: Uncertain significance for Cardiovascular phenotype. Last evaluated: 2022-10-28. Review status: criteria provided, single submitter. Criteria: Ambry Variant Classification Scheme 2023. Collection method: clinical testing. Allele origin: germline.

GeneDx
Classification: Uncertain significance. Last evaluated: 2022-03-22. Review status: criteria provided, single submitter. Criteria: GeneDx Variant Classification Process June 2021. Collection method: clinical testing. Allele origin: germline. Affected: yes.
Comment: Identified in patients with hypertrophic cardiomyopathy (HCM) in the published literature (Millat et al., 2010; Roncarati et al., 2011; Walsh et al., 2017); In silico analysis supports that this missense variant has a deleterious effect on protein structure/function; This variant is associated with the following publications: (PMID: 27532257, 21302287, 20624503)

Fulgent Genetics
Classification: Uncertain significance for Hypertrophic cardiomyopathy 4; Left ventricular noncompaction 10. Last evaluated: 2021-09-28. Review status: criteria provided, single submitter. Criteria: ACMG Guidelines, 2015. Collection method: clinical testing. Allele origin: unknown.

Laboratory for Molecular Medicine, Mass General Brigham Personalized Medicine
Classification: Uncertain significance for Hypertrophic cardiomyopathy. Last evaluated: 2019-04-04. Review status: criteria provided, single submitter. Criteria: ACMG Guidelines, 2015. Collection method: clinical testing. Allele origin: germline.
Comment: Disclaimer: This variant has not undergone full assessment. The following are preliminary notes: Reported in two individuals with HCM (Roncarti 2011, Millat 2010). Gnomad: 0.013% (2 alleles). Clinvar: VUS (Invitae).

Literature cited by the submitters: PubMed 20624503 (cited by 3 submitters); PubMed 21302287 (cited by 3 submitters); PubMed 27532257 (cited by Color Diagnostics, LLC DBA Color Health); PubMed 32481709 (cited by Color Diagnostics, LLC DBA Color Health); PubMed 37089884 (cited by Color Diagnostics, LLC DBA Color Health).